The following is an entry in ClinVar:

ClinVar aggregate classification (germline): Uncertain significance (1 of 4 stars; one submission).

Submission:

Labcorp Genetics (formerly Invitae), Labcorp
Classification: Uncertain significance. Last evaluated: 2022-06-24. Review status: criteria provided, single submitter. Criteria: Invitae Variant Classification Sherloc (09022015). Collection method: clinical testing. Allele origin: germline.
Comment: This sequence change replaces cysteine, which is neutral and slightly polar, with serine, which is neutral and polar, at codon 1456 of the RUSC2 protein (p.Cys1456Ser). This variant is not present in population databases (gnomAD no frequency). This variant has not been reported in the literature in individuals affected with RUSC2-related conditions. Algorithms developed to predict the effect of missense changes on protein structure and function are either unavailable or do not agree on the potential impact of this missense change (SIFT: "Deleterious"; PolyPhen-2: "Probably Damaging"; Align-GVGD: "Class C0"). In summary, the available evidence is currently insufficient to determine the role of this variant in disease. Therefore, it has been classified as a Variant of Uncertain Significance.

NM_014806.5(RUSC2):c.4366T>A (p.Cys1456Ser)

Gene: RUSC2 (RUN and SH3 domain containing 2; plus strand). Cytogenetic location: 9p13.3.
Variant type: single nucleotide variant.
Coding change: c.4366T>A on transcript NM_014806.5 (MANE Select); coding-DNA position 4366, T replaced by A.
Protein change: p.Cys1456Ser; replaces cysteine 1456 with serine.
Molecular consequence: missense variant. On other transcripts: non-coding transcript variant (1).
Genome position (GRCh38, 1-based): chr9:35,561,197, T>A. VCF-style: chr9-35561197-T-A. GRCh37 (hg19) VCF-style: chr9-35561194-T-A.
Other names: c.4366T>A, p.Cys1456Ser (NM_001135999.2); c.1732T>A, p.Cys578Ser (NM_001330740.2); short protein forms C578S, C1456S.
Identifiers: ClinVar variation 1973752 (VCV001973752.5), dbSNP rs1587874519, ClinGen allele CA373357572.